The following is an entry in ClinVar:

NM_000392.5(ABCC2):c.3399_3400del (p.Tyr1134fs)

Genes: ABCC2 (ATP binding cassette subfamily C member 2; plus strand), LOC126861013 (CDK7 strongly-dependent group 2 enhancer GRCh37_chr10:101593724-101594923; plus strand). Cytogenetic location: 10q24.2.
Variant type: Deletion.
Coding change: c.3399_3400del on transcript NM_000392.5 (MANE Select); coding-DNA positions 3399 to 3400, 2 bases deleted (TT; older notation c.3399_3400delTT).
Protein change: p.Tyr1134fs; shifts the reading frame from tyrosine 1134.
Molecular consequence: frameshift variant.
Genome position (GRCh38, 1-based): chr10:99,834,520-99,834,521, TT deleted; deleting any 2 consecutive bases within chr10:99,834,519-99,834,521 gives the same sequence; the c. name uses the placement nearest the transcript's 3' end. VCF-style (leftmost placement, unchanged base first): chr10-99834518-ATT-A. GRCh37 (hg19) VCF-style: chr10-101594275-ATT-A.
Other names: c.3399_3400del, p.Tyr1134fs (LRG_1208t1); short protein forms Y1134fs.
Identifiers: ClinVar variation 290862 (VCV000290862.13), dbSNP rs762914474, ClinGen allele CA10606926.
Genomic context (GRCh38, chr10:99,834,518, plus strand): 5'-CTTGTCATGATCTGCATGGCCACTCCTGTCTTCACCATCATCGTCATTCCTCTTGGCATT[ATT>A]TATGTATCTGTTCAGGTAGGTTTGGAAATGGCTAAGTCATCCTTCCTTCCTCTCTATCTA-3'

ClinVar aggregate classification (germline): Pathogenic. Review status: criteria provided, multiple submitters, no conflicts (2 of 4 stars). 6 submissions from 6 submitters: Pathogenic (6). Last evaluated 2026-04-15.

Conditions:
Dubin-Johnson syndrome (DJS). Also called: HYPERBILIRUBINEMIA, DUBIN-JOHNSON TYPE; Jaundice, Chronic Idiopathic; Hyperbilirubinemia type 2. Identifiers: Orphanet 234, MedGen C0022350, MONDO:0009380, OMIM 237500.
ABCC2-related disorder. Also called: ABCC2-related condition.

Submissions (6):

PreventionGenetics, part of Exact Sciences
Classification: Pathogenic for ABCC2-related condition. Last evaluated: 2026-04-15. Review status: criteria provided, single submitter. Criteria: ACMG Guidelines, 2015. Collection method: clinical testing. Allele origin: germline.
Comment: The ABCC2 c.3399_3400delTT variant is predicted to result in a frameshift and premature protein termination (p.Tyr1134Cysfs*43). This variant has been reported to be causative for autosomal recessive Dubin-Johnson syndrome (Lee et al. 2006. PubMed ID: 16549534; Kingsmore et al. 2019. PubMed ID: 31564432; reported as c.3398_3399delTT, Chen et al. 2019. PubMed ID: 30366773). This variant is reported in 0.0054% of alleles in individuals of East Asian descent in gnomAD. Frameshift variants in ABCC2 are expected to be pathogenic. This variant is interpreted as pathogenic.

Labcorp Genetics (formerly Invitae), Labcorp
Classification: Pathogenic. Last evaluated: 2025-03-18. Review status: criteria provided, single submitter. Criteria: Invitae Variant Classification Sherloc (09022015). Collection method: clinical testing. Allele origin: germline.
Comment: This sequence change creates a premature translational stop signal (p.Tyr1134Cysfs*43) in the ABCC2 gene. It is expected to result in an absent or disrupted protein product. Loss-of-function variants in ABCC2 are known to be pathogenic (PMID: 9185779, 16549534, 16952291). This variant is present in population databases (rs762914474, gnomAD 0.006%). This premature translational stop signal has been observed in individual(s) with ABCC2-related conditions (PMID: 16549534, 31564432). ClinVar contains an entry for this variant (Variation ID: 290862). For these reasons, this variant has been classified as Pathogenic.

Blueprint Genetics
Classification: Pathogenic for ABCC2-related disorders. Last evaluated: 2024-08-27. Review status: criteria provided, single submitter. Criteria: ACMG Guidelines, 2015. Collection method: clinical testing. Allele origin: germline. Affected: yes. Observed: 5 variant alleles.

3billion
Classification: Pathogenic for Dubin-Johnson syndrome. Last evaluated: 2022-03-22. Review status: criteria provided, single submitter. Criteria: ACMG Guidelines, 2015. Collection method: clinical testing. Allele origin: germline. Affected: yes. Observed: 1 heterozygote.
Comment: Frameshift: predicted to result in a loss or disruption of normal protein function through nonsense-mediated decay (NMD) or protein truncation. Multiple pathogenic variants are reported downstream of the variant. The variant has been reported at least twice as pathogenic/likely pathogenic with clinical assertions and evidence for the classification (ClinVar ID: VCV000290862, PMID:16549534, 3billion dataset). The variant is observed at an extremely low frequency in the gnomAD v2.1.1 dataset (total allele frequency: 0.0000040). Therefore, this variant is classified as pathogenic according to the recommendation of ACMG/AMP guideline.

Eurofins Ntd Llc (ga)
Classification: Pathogenic. Last evaluated: 2018-06-18. Review status: criteria provided, single submitter. Criteria: EGL ClinVar v180209 classification definitions. Collection method: clinical testing. Allele origin: germline. Observed: 4 variant alleles, 4 heterozygotes.

Rady Children's Institute for Genomic Medicine, Rady Children's Hospital San Diego
Classification: Pathogenic for DUBIN-JOHNSON SYNDROME. Last evaluated: 2018-05-10. Review status: criteria provided, single submitter. Criteria: ACMG Guidelines, 2015. Collection method: clinical testing. Allele origin: germline. Affected: yes. Observed: 1 variant allele.
Comment: This frameshifting variant in exon 24 of 32 introduces a premature stop codon and is therefore predicted to result in loss of normal protein function. This variant has been previously reported as a compound heterozygous change in a patient with Dubin-Johnson syndrome (PMID: 16549534). It is present in the heterozygous state in the gnomAD population database at a frequency of 0.00041% (1/246267) and thus is presumed to be rare. Based on the available evidence, the c.3399_3400delTT (p.Tyr1134CysfsTer43) variant is classified as pathogenic.

Literature cited by the submitters: PubMed 9185779 (cited by Labcorp Genetics (formerly Invitae), Labcorp); PubMed 16549534 (cited by Labcorp Genetics (formerly Invitae), Labcorp and 3billion); PubMed 16952291 (cited by Labcorp Genetics (formerly Invitae), Labcorp); PubMed 31564432 (cited by Labcorp Genetics (formerly Invitae), Labcorp).